The following is an entry in ClinVar:

NM_001353345.2(SETD1B):c.4433T>C (p.Leu1478Pro)

Gene: SETD1B (SET domain containing 1B, histone lysine methyltransferase; plus strand). Cytogenetic location: 12q24.31.
Variant type: single nucleotide variant.
Coding change: c.4433T>C on transcript NM_001353345.2 (MANE Select); coding-DNA position 4433, T replaced by C.
Protein change: p.Leu1478Pro; replaces leucine 1478 with proline.
Molecular consequence: missense variant.
Genome position (GRCh38, 1-based): chr12:121,823,012, T>C. VCF-style: chr12-121823012-T-C. GRCh37 (hg19) VCF-style: chr12-122260918-T-C.
Other names: short protein forms L1478P.
Identifiers: ClinVar variation 1694687 (VCV001694687.31), dbSNP rs1379233693, ClinGen allele CA386999003.

ClinVar aggregate classification (germline): Uncertain significance (1 of 4 stars; one submission).

Submission:

CeGaT Center for Human Genetics Tuebingen
Classification: Uncertain significance. Last evaluated: 2022-05-01. Review status: criteria provided, single submitter. Criteria: CeGaT Center For Human Genetics Tuebingen Variant Classification Criteria Version 2. Collection method: clinical testing. Allele origin: germline. Affected: yes. Observed: 1 variant allele.
Comment: SETD1B: PM2, PP2